The following is an entry in ClinVar:

NM_016366.3(CABP2):c.188G>A (p.Arg63Gln)

Gene: CABP2 (calcium binding protein 2; minus strand). Cytogenetic location: 11q13.2.
Variant type: single nucleotide variant.
Coding change: c.188G>A on transcript NM_016366.3 (MANE Select); coding-DNA position 188, G replaced by A.
Protein change: p.Arg63Gln; replaces arginine 63 with glutamine.
Molecular consequence: missense variant.
Genome position (GRCh38, 1-based): chr11:67,522,571, C>T on the plus strand (G>A on the coding strand, the complement: CABP2 is on the minus strand). VCF-style: chr11-67522571-C-T. GRCh37 (hg19) VCF-style: chr11-67290042-C-T.
Other names: p.Arg63Gln; c.202G>A, p.Gly68Ser (NM_001318496.2); short protein forms R63Q, G68S.
Identifiers: ClinVar variation 449907 (VCV000449907.61), dbSNP rs149431491, ClinGen allele CA6142575.

ClinVar aggregate classification (germline): Benign/Likely benign. Review status: criteria provided, multiple submitters, no conflicts (2 of 4 stars). 8 submissions from 8 submitters: Benign (3); Likely benign (4). 1 of the submissions does not count toward it. Last evaluated 2026-01-18.

Conditions:
Autosomal recessive nonsyndromic hearing loss 93. Also called: Deafness, autosomal recessive 93. Identifiers: Orphanet 90636, MedGen C3888355, MONDO:0013963, OMIM 614899.
CABP2-related disorder. Also called: CABP2-related condition.

Allele frequency attached by ClinVar (database versions not stated): 1000 Genomes Project 30x 0.00078; 1000 Genomes Project 0.00100; TOPMed 0.00377; gnomAD 0.00381 and 0.00399; gnomAD exomes 0.00412; ESP Exome Variant Server 0.00479; ExAC 0.00621.

Submissions (8):

Labcorp Genetics (formerly Invitae), Labcorp
Classification: Benign. Last evaluated: 2026-01-18. Review status: criteria provided, single submitter. Criteria: Invitae Variant Classification Sherloc (09022015). Collection method: clinical testing. Allele origin: germline.

CeGaT Center for Human Genetics Tuebingen
Classification: Likely benign. Last evaluated: 2025-07-01. Review status: criteria provided, single submitter. Criteria: CeGaT Center For Human Genetics Tuebingen Variant Classification Criteria Version 2. Collection method: clinical testing. Allele origin: germline. Affected: yes. Observed: 4 variant alleles.
Comment: CABP2: BS2

Blueprint Genetics
Classification: Likely benign. Last evaluated: 2024-11-26. Review status: criteria provided, single submitter. Criteria: ACMG Guidelines, 2015. Collection method: clinical testing. Allele origin: germline.

Fulgent Genetics
Classification: Likely benign for Autosomal recessive nonsyndromic hearing loss 93. Last evaluated: 2021-08-23. Review status: criteria provided, single submitter. Criteria: ACMG Guidelines, 2015. Collection method: clinical testing. Allele origin: unknown.

GeneDx
Classification: Benign. Last evaluated: 2019-04-19. Review status: criteria provided, single submitter. Criteria: GeneDx Variant Classification Process June 2021. Collection method: clinical testing. Allele origin: germline. Affected: yes.
Comment: This variant is associated with the following publications: (PMID: 25620207)

Laboratory for Molecular Medicine, Mass General Brigham Personalized Medicine
Classification: Benign. Last evaluated: 2017-08-23. Review status: criteria provided, single submitter. Criteria: LMM Criteria. Collection method: clinical testing. Allele origin: germline. Observed: 2 variant alleles.
Comment: p.Arg63Gln in exon 2 of CABP2: This variant is not expected to have clinical sig nificance because it has been identified in 1.02% (94/9220) of European chromoso mes by the Exome Aggregation Consortium (ExAC; d bSNP rs149431491).

Breakthrough Genomics
Classification: Likely benign. Review status: criteria provided, single submitter. Criteria: ACMG Guidelines, 2015. Collection method: not provided. Allele origin: germline. Inheritance: Autosomal recessive inheritance. Affected: yes.

PreventionGenetics, part of Exact Sciences
Classification: Benign for CABP2-related condition. Last evaluated: 2020-03-16. Review status: no assertion criteria provided. Collection method: clinical testing. Allele origin: germline. Not counted in ClinVar's aggregate classification.
Comment: This variant is classified as benign based on ACMG/AMP sequence variant interpretation guidelines (Richards et al. 2015 PMID: 25741868, with internal and published modifications).